The following is an entry in ClinVar:

NM_000455.5(STK11):c.816C>T (p.Tyr272=)

Gene: STK11 (serine/threonine kinase 11; plus strand). Cytogenetic location: 19p13.3.
Variant type: single nucleotide variant.
Coding change: c.816C>T on transcript NM_000455.5 (MANE Select); coding-DNA position 816, C replaced by T.
Protein change: p.Tyr272=; no amino-acid change (tyrosine 272 retained).
Molecular consequence: synonymous variant.
Genome position (GRCh38, 1-based): chr19:1,221,294, C>T. VCF-style: chr19-1221294-C-T. GRCh37 (hg19) VCF-style: chr19-1221293-C-T.
Identifiers: ClinVar variation 141192 (VCV000141192.51), dbSNP rs9282859, ClinGen allele CA023282.
Genomic context (GRCh38, chr19:1,221,294, plus strand): 5'-GTACCCCTTCGAAGGGGACAACATCTACAAGTTGTTTGAGAACATCGGGAAGGGGAGCTA[C>T]GCCATCCCGGGCGACTGTGGCCCCCCGCTCTCTGACCTGCTGAAAGGTGGGAGCCTCATC-3'
Protein context (NP_000446.1, residues 262-282): KLFENIGKGS[Tyr272=]AIPGDCGPPL

ClinVar aggregate classification (germline): Benign/Likely benign. Review status: criteria provided, multiple submitters, no conflicts (2 of 4 stars). 21 submissions from 21 submitters: Benign (13); Likely benign (1). 7 of the submissions do not count toward it. Last evaluated 2026-02-04.

Conditions:
Hereditary cancer-predisposing syndrome. Also called: Neoplastic Syndromes, Hereditary; Hereditary Cancer Syndrome; Tumor predisposition; Hereditary neoplastic syndrome. Identifiers: Orphanet 140162, MedGen C0027672, MeSH D009386, MONDO:0015356.
Breast and/or ovarian cancer. Identifiers: MedGen CN221562.
Peutz-Jeghers syndrome (PJS). Also called: Peutz-Jeghers polyposis; Periorificial lentiginosis syndrome; POLYPOSIS, HAMARTOMATOUS INTESTINAL; POLYPS-AND-SPOTS SYNDROME. Identifiers: Orphanet 2869, MedGen C0031269, MeSH D010580, MONDO:0008280, OMIM 175200.
Malignant tumor of breast. Also called: Malignant breast neoplasm; Cancer breast. Identifiers: MedGen C0006142, MONDO:0007254. Disease mechanism: loss of function.

Allele frequency attached by ClinVar (database versions not stated): gnomAD exomes 0.00253 and 0.00581; ExAC 0.00777; 1000 Genomes Project 0.02356; gnomAD 0.02400 and 0.02603; ESP Exome Variant Server 0.02452; 1000 Genomes Project 30x 0.02498; TOPMed 0.02762.
gnomAD v4.1: 7,527 of 1,611,214 alleles (0.47%); highest among the groups gnomAD compares: African/African-American, 8.5%; 280 homozygotes.

Submissions (21):

Labcorp Genetics (formerly Invitae), Labcorp
Classification: Benign for Peutz-Jeghers syndrome. Last evaluated: 2026-02-04. Review status: criteria provided, single submitter. Criteria: Invitae Variant Classification Sherloc (09022015). Collection method: clinical testing. Allele origin: germline.

ARUP Laboratories, Molecular Genetics and Genomics, ARUP Laboratories
Classification: Benign. Last evaluated: 2025-05-19. Review status: criteria provided, single submitter. Criteria: ARUP Molecular Germline Variant Investigation Process 2024. Collection method: clinical testing. Allele origin: germline.

Myriad Genetics, Inc.
Classification: Benign for Peutz-Jeghers syndrome. Last evaluated: 2025-03-27. Review status: criteria provided, single submitter. Criteria: Myriad Autosomal Dominant, Autosomal Recessive and X-Linked Classification Criteria (2023). Collection method: clinical testing. Allele origin: unknown.
Comment: This variant is considered benign. This variant is a silent/synonymous amino acid change and it is not expected to impact splicing.

Center for Genomic Medicine, Rigshospitalet, Copenhagen University Hospital
Classification: Benign. Last evaluated: 2025-03-04. Review status: criteria provided, single submitter. Criteria: ACMG Guidelines, 2015. Collection method: clinical testing. Allele origin: germline.

Blueprint Genetics
Classification: Likely benign. Last evaluated: 2024-11-25. Review status: criteria provided, single submitter. Criteria: ACMG Guidelines, 2015. Collection method: clinical testing. Allele origin: germline.

KCCC/NGS Laboratory, Kuwait Cancer Control Center
Classification: Benign for Peutz-Jeghers syndrome. Last evaluated: 2023-07-07. Review status: criteria provided, single submitter. Criteria: ACMG Guidelines, 2015. Collection method: clinical testing. Allele origin: germline. Affected: yes.

CHEO Genetics Diagnostic Laboratory, Children's Hospital of Eastern Ontario
Classification: Benign for Breast and/or ovarian cancer. Last evaluated: 2021-10-05. Review status: criteria provided, single submitter. Criteria: ACMG Guidelines, 2015. Collection method: clinical testing. Allele origin: germline.

Genome-Nilou Lab
Classification: Benign for Peutz-Jeghers syndrome. Last evaluated: 2021-07-15. Review status: criteria provided, single submitter. Criteria: ACMG Guidelines, 2015. Collection method: clinical testing. Allele origin: germline. Affected: no.

Illumina Laboratory Services, Illumina
Classification: Benign for Peutz-Jeghers syndrome. Last evaluated: 2018-01-12. Review status: criteria provided, single submitter. Criteria: ICSL Variant Classification Criteria 13 December 2019. Collection method: clinical testing. Allele origin: germline.
Comment: This variant was observed in the ICSL laboratory as part of a predisposition screen in an ostensibly healthy population. It had not been previously curated by ICSL or reported in the Human Gene Mutation Database (HGMD: prior to June 1st, 2018), and was therefore a candidate for classification through an automated scoring system. Utilizing variant allele frequency, disease prevalence and penetrance estimates, and inheritance mode, an automated score was calculated to assess if this variant is too frequent to cause the disease. Based on the score and internal cut-off values, a variant classified as benign is not then subjected to further curation. The score for this variant resulted in a classification of benign for this disease.

Color Diagnostics, LLC DBA Color Health
Classification: Benign for Hereditary cancer-predisposing syndrome. Last evaluated: 2015-04-20. Review status: criteria provided, single submitter. Criteria: ACMG Guidelines, 2015. Collection method: clinical testing. Allele origin: germline.

GeneDx
Classification: Benign. Last evaluated: 2015-03-03. Review status: criteria provided, single submitter. Criteria: GeneDx Variant Classification Process June 2021. Collection method: clinical testing. Allele origin: germline. Affected: yes.

Ambry Genetics
Classification: Benign for Hereditary cancer-predisposing syndrome. Last evaluated: 2014-11-18. Review status: criteria provided, single submitter. Criteria: Ambry Variant Classification Scheme 2023. Collection method: clinical testing. Allele origin: germline.

Breakthrough Genomics
Classification: Benign. Review status: criteria provided, single submitter. Criteria: ACMG Guidelines, 2015. Collection method: not provided. Allele origin: germline. Inheritance: Autosomal dominant inheritance. Affected: yes.

PreventionGenetics, part of Exact Sciences
Classification: Benign. Review status: criteria provided, single submitter. Criteria: ACMG Guidelines, 2015. Collection method: clinical testing. Allele origin: germline.

True Health Diagnostics
Classification: Likely benign for Hereditary cancer-predisposing syndrome. Last evaluated: 2018-02-20. Review status: no assertion criteria provided. Collection method: clinical testing. Allele origin: germline. Not counted in ClinVar's aggregate classification.

Clinical Genetics, Academic Medical Center
Classification: Benign. Review status: no assertion criteria provided. Collection method: clinical testing. Allele origin: germline. Affected: yes. Study: VKGL Data-share Consensus. Not counted in ClinVar's aggregate classification.

Department of Pathology and Laboratory Medicine, Sinai Health System
Classification: Benign for Malignant tumor of breast. Review status: no assertion criteria provided. Collection method: clinical testing. Allele origin: unknown. Affected: yes. Study: The Canadian Open Genetics Repository (COGR). Not counted in ClinVar's aggregate classification.
Comment: The STK11 p.Tyr272Tyr variant was not identified in the literature nor was it identified in the MutDB, LOVD 3.0, Zhejiang Colon Cancer Database, and Insight Hereditary Tumors Database databases. The variant was identified in dbSNP (ID: rs9282859) as â€šÃ„ÃºOtherâ€šÃ„Ã¹, ClinVar (classified benign by Ambry Genetics and Prevention Genetics, and likely benign by Illumina), and in Cosmic (3X all in lung carcinomas). The variant was also identified in control databases in 2204 (84 homozygous) of 273338 chromosomes at a frequency of 0.008 increasing the likelihood this could be a low frequency benign variant (Genome Aggregation Consortium Feb 27, 2017), identified in the following populations at a frequency greater than 1%: African in 1993 of 23530 chromosomes (freq: 0.085). The p.Tyr272Tyr variant is not expected to have clinical significance because it does not result in a change of amino acid and is not located in a known consensus splice site. In addition, in silico or computational prediction software programs (SpliceSiteFinder, MaxEntScan, NNSPLICE, GeneSplicer, HumanSpliceFinder) do not predict a difference in splicing. In summary, based on the above information this variant meets our laboratory's criteria to be classified as benign.

Genome Diagnostics Laboratory, Amsterdam University Medical Center
Classification: Likely benign. Review status: no assertion criteria provided. Collection method: clinical testing. Allele origin: germline. Affected: yes. Study: VKGL Data-share Consensus. Not counted in ClinVar's aggregate classification.

Joint Genome Diagnostic Labs from Nijmegen and Maastricht, Radboudumc and MUMC+
Classification: Benign. Review status: no assertion criteria provided. Collection method: clinical testing. Allele origin: germline. Affected: yes. Study: VKGL Data-share Consensus. Not counted in ClinVar's aggregate classification.

Laboratory of Diagnostic Genome Analysis, Leiden University Medical Center (LUMC)
Classification: Benign. Review status: no assertion criteria provided. Collection method: clinical testing. Allele origin: germline. Affected: yes. Study: VKGL Data-share Consensus. Not counted in ClinVar's aggregate classification.

Mayo Clinic Laboratories, Mayo Clinic
Classification: Benign. Review status: no assertion criteria provided. Collection method: clinical testing. Allele origin: unknown. Not counted in ClinVar's aggregate classification.